The following is an entry in ClinVar:

ClinVar aggregate classification (germline): Uncertain significance (1 of 4 stars; one submission).

Conditions:
Spastic paraplegia. Identifiers: MedGen C0037772, HP:0001258.

Allele frequency attached by ClinVar (database versions not stated): gnomAD exomes below 0.00001 and 0.00001; TOPMed below 0.00001; gnomAD 0.00001.
gnomAD v4.1: 4 of 1,613,868 alleles (0.00025%); highest among the groups gnomAD compares: Non-Finnish European, 0.00025%; no homozygotes.

Submission:

Labcorp Genetics (formerly Invitae), Labcorp
Classification: Uncertain significance for Spastic paraplegia. Last evaluated: 2023-12-14. Review status: criteria provided, single submitter. Criteria: Invitae Variant Classification Sherloc (09022015). Collection method: clinical testing. Allele origin: germline.
Comment: This sequence change replaces glutamic acid, which is acidic and polar, with glycine, which is neutral and non-polar, at codon 1017 of the KIF5A protein (p.Glu1017Gly). The frequency data for this variant in the population databases is considered unreliable, as metrics indicate poor data quality at this position in the gnomAD database. This variant has not been reported in the literature in individuals affected with KIF5A-related conditions. ClinVar contains an entry for this variant (Variation ID: 654081). Advanced modeling of protein sequence and biophysical properties (such as structural, functional, and spatial information, amino acid conservation, physicochemical variation, residue mobility, and thermodynamic stability) performed at Invitae indicates that this missense variant is not expected to disrupt KIF5A protein function with a negative predictive value of 95%. Algorithms developed to predict the effect of sequence changes on RNA splicing suggest that this variant may disrupt the consensus splice site. In summary, the available evidence is currently insufficient to determine the role of this variant in disease. Therefore, it has been classified as a Variant of Uncertain Significance.

NM_004984.4(KIF5A):c.3050A>G (p.Glu1017Gly)

Gene: KIF5A (kinesin family member 5A; plus strand). Cytogenetic location: 12q13.3.
Variant type: single nucleotide variant.
Coding change: c.3050A>G on transcript NM_004984.4 (MANE Select); coding-DNA position 3050, A replaced by G.
Protein change: p.Glu1017Gly; replaces glutamic acid 1017 with glycine.
Molecular consequence: missense variant.
Genome position (GRCh38, 1-based): chr12:57,583,130, A>G. VCF-style: chr12-57583130-A-G. GRCh37 (hg19) VCF-style: chr12-57976913-A-G.
Other names: c.2783A>G, p.Glu928Gly (NM_001354705.2); short protein forms E928G, E1017G.
Identifiers: ClinVar variation 654081 (VCV000654081.7), dbSNP rs1485170378, ClinGen allele CA385517437.